The following is an entry in ClinVar:

NM_000038.6(APC):c.7558G>A (p.Gly2520Arg)

Gene: APC (APC regulator of Wnt signaling pathway; plus strand). Cytogenetic location: 5q22.2.
Variant type: single nucleotide variant.
Coding change: c.7558G>A on transcript NM_000038.6 (MANE Select); coding-DNA position 7558, G replaced by A.
Protein change: p.Gly2520Arg; replaces glycine 2520 with arginine.
Molecular consequence: missense variant.
Genome position (GRCh38, 1-based): chr5:112,843,152, G>A. VCF-style: chr5-112843152-G-A. GRCh37 (hg19) VCF-style: chr5-112178849-G-A.
Other names: c.7558G>A, p.Gly2520Arg (NM_001127510.3, NM_001354895.2); c.7504G>A, p.Gly2502Arg (NM_001127511.3); c.7612G>A, p.Gly2538Arg (NM_001354896.2); c.7588G>A, p.Gly2530Arg (NM_001354897.2); c.7483G>A, p.Gly2495Arg (NM_001354898.2); c.7474G>A, p.Gly2492Arg (NM_001354899.2); c.7435G>A, p.Gly2479Arg (NM_001354900.2); c.7381G>A, p.Gly2461Arg (NM_001354901.2); and 5 more; short protein forms G2502R, G2520R, G2530R, G2360R, G2394R, G2429R, G2492R, G2495R.
Identifiers: ClinVar variation 187664 (VCV000187664.27), dbSNP rs746138566, ClinGen allele CA013827.
Genomic context (GRCh38, chr5:112,843,152, plus strand): 5'-CAGGCTGGTGGATGGCGAAAACTCCCACCTAATCTCAGTCCCACTATAGAGTATAATGAT[G>A]GAAGACCAGCAAAGCGCCATGATATTGCACGGTCTCATTCTGAAAGTCCTTCTAGACTTC-3'
Protein context (NP_000029.2, residues 2510-2530): NLSPTIEYND[Gly2520Arg]RPAKRHDIAR

ClinVar aggregate classification (germline): Uncertain significance. Review status: criteria provided, multiple submitters, no conflicts (2 of 4 stars). 9 submissions from 9 submitters: Uncertain significance (8). 1 of the submissions does not count toward it. Last evaluated 2025-09-16.

Conditions:
Desmoid disease, hereditary (DESMD). Also called: FIBROMATOSIS, FAMILIAL INFILTRATIVE. Identifiers: Orphanet 873, MedGen C1851124, OMIM 135290. Disease mechanism: loss of function.
Gastric adenocarcinoma and proximal polyposis of the stomach (GAPPS). Also called: Polyposis, gastric, Dos Santos and de Magalhaes 1980; Gastric Adenocarcinoma and Proximal Polyposis of the Stomach (GAPPS); POLYPOSIS, GASTRIC. Identifiers: Orphanet 314022, MedGen C4749917, MONDO:0017790, OMIM 619182.
Hepatocellular carcinoma (HCC). Also called: Primary carcinoma of liver; HEPATOMA; LIVER CELL CARCINOMA. Identifiers: Orphanet 88673, MedGen C2239176, MONDO:0007256, OMIM 114550, HP:0001402.
Gastric cancer. Also called: Stomach cancer; Malignant tumor of stomach. Identifiers: MedGen C0024623, MeSH D013274, MONDO:0001056, OMIM 613659, HP:0012126.
Colorectal cancer. Also called: Colorectal cancer, somatic; Malignant Colorectal Neoplasm. Identifiers: MedGen C0346629, MONDO:0005575, OMIM 114500.
Familial adenomatous polyposis 1 (FAP1). Also called: FAMILIAL ADENOMATOUS POLYPOSIS 1, ATTENUATED; POLYPOSIS, ADENOMATOUS INTESTINAL. Identifiers: MedGen C2713442, MONDO:0021056, OMIM 175100. Disease mechanism: loss of function.
Classic or attenuated familial adenomatous polyposis. Identifiers: MedGen CN372698, MONDO:0021057.
Hereditary cancer-predisposing syndrome. Also called: Tumor predisposition; Neoplastic Syndromes, Hereditary; Hereditary Cancer Syndrome; Hereditary neoplastic syndrome. Identifiers: Orphanet 140162, MedGen C0027672, MeSH D009386, MONDO:0015356.

Allele frequency attached by ClinVar (database versions not stated): gnomAD exomes below 0.00001 and 0.00001; TOPMed below 0.00001; ExAC 0.00001; gnomAD 0.00001.
gnomAD v4.1: 8 of 1,613,686 alleles (0.0005%); highest among the groups gnomAD compares: African/African-American, 0.0013%; no homozygotes.

Submissions (9):

Labcorp Genetics (formerly Invitae), Labcorp
Classification: Uncertain significance for Familial adenomatous polyposis 1. Last evaluated: 2025-09-16. Review status: criteria provided, single submitter. Criteria: Invitae Variant Classification Sherloc (09022015). Collection method: clinical testing. Allele origin: germline.
Comment: This sequence change replaces glycine, which is neutral and non-polar, with arginine, which is basic and polar, at codon 2520 of the APC protein (p.Gly2520Arg). This variant is present in population databases (rs746138566, gnomAD 0.0009%). This variant has not been reported in the literature in individuals affected with APC-related conditions. ClinVar contains an entry for this variant (Variation ID: 187664). Invitae Evidence Modeling of protein sequence and biophysical properties (such as structural, functional, and spatial information, amino acid conservation, physicochemical variation, residue mobility, and thermodynamic stability) indicates that this missense variant is not expected to disrupt APC protein function with a negative predictive value of 95%. In summary, the available evidence is currently insufficient to determine the role of this variant in disease. Therefore, it has been classified as a Variant of Uncertain Significance.

Ambry Genetics
Classification: Uncertain significance for Hereditary cancer-predisposing syndrome. Last evaluated: 2025-08-01. Review status: criteria provided, single submitter. Criteria: Ambry Variant Classification Scheme 2023. Collection method: clinical testing. Allele origin: germline.
Comment: The p.G2520R variant (also known as c.7558G>A), located in coding exon 15 of the APC gene, results from a G to A substitution at nucleotide position 7558. The glycine at codon 2520 is replaced by arginine, an amino acid with dissimilar properties. This amino acid position is highly conserved in available vertebrate species. In addition, in silico predictors for this gene do not accurately predict pathogenicity. Missense alterations in APC are not a common cause of disease (Spier I et al. Genet Med. 2024 Feb;26(2):100992). Based on the available evidence, the clinical significance of this variant remains unclear.

Color Diagnostics, LLC DBA Color Health
Classification: Uncertain significance for Hereditary cancer-predisposing syndrome. Last evaluated: 2025-06-17. Review status: criteria provided, single submitter. Criteria: ACMG Guidelines, 2015. Collection method: clinical testing. Allele origin: germline.
Comment: This missense variant replaces glycine with arginine at codon 2520 of the APC protein. Computational prediction suggests that this variant may not impact protein structure and function. To our knowledge, functional studies have not been reported for this variant. This variant has not been reported in individuals affected with APC-related disorders in the literature. This variant has been identified in 1/250984 chromosomes in the general population by the Genome Aggregation Database (gnomAD). The available evidence is insufficient to determine the role of this variant in disease conclusively. Therefore, this variant is classified as a Variant of Uncertain Significance.

GeneDx
Classification: Uncertain significance. Last evaluated: 2025-03-19. Review status: criteria provided, single submitter. Criteria: GeneDx Variant Classification Process June 2021. Collection method: clinical testing. Allele origin: germline. Affected: yes.
Comment: Not observed at significant frequency in large population cohorts (gnomAD); In silico analysis indicates that this missense variant does not alter protein structure/function; Observed in an individual with a personal history including acute lymphoblastic leukemia (PMID: 26580448); This variant is associated with the following publications: (PMID: 26580448)

Fulgent Genetics
Classification: Uncertain significance for Colorectal cancer; Hepatocellular carcinoma; Desmoid disease, hereditary; Familial adenomatous polyposis 1; Gastric cancer; Gastric adenocarcinoma and proximal polyposis of the stomach. Last evaluated: 2024-04-30. Review status: criteria provided, single submitter. Criteria: ACMG Guidelines, 2015. Collection method: clinical testing. Allele origin: germline.

All of Us Research Program, National Institutes of Health
Classification: Uncertain significance for Classic or attenuated familial adenomatous polyposis. Last evaluated: 2024-01-11. Review status: criteria provided, single submitter. Criteria: ACMG Guidelines, 2015. Collection method: clinical testing. Allele origin: germline. Inheritance: Autosomal dominant inheritance. Observed: 1 variant allele, 1 heterozygote.
Comment: This study involves interpretation of variants in research participants for the purpose of population health screening. Participant phenotype was not available at the time of variant classification. Additional details can be found in publication PMID: 35346344, PMCID: PMC8962531

Baylor Genetics
Classification: Uncertain significance for Familial adenomatous polyposis 1. Last evaluated: 2023-09-30. Review status: criteria provided, single submitter. Criteria: ACMG Guidelines, 2015. Collection method: clinical testing. Allele origin: unknown.

Myriad Genetics, Inc.
Classification: Uncertain significance for Familial adenomatous polyposis 1. Last evaluated: 2023-02-16. Review status: criteria provided, single submitter. Criteria: Myriad Autosomal Dominant, Autosomal Recessive and X-Linked Classification Criteria (2023). Collection method: clinical testing. Allele origin: unknown.
Comment: This variant is classified as a variant of uncertain significance as there is insufficient evidence to determine its impact on protein function and/or cancer risk.

Counsyl
Classification: Uncertain significance for Familial adenomatous polyposis 1. Last evaluated: 2016-10-17. Review status: no assertion criteria provided. Collection method: clinical testing. Allele origin: unknown. Not counted in ClinVar's aggregate classification.

Literature cited by the submitters: PubMed 26580448 (cited by Ambry Genetics and Counsyl).